The following is an entry in ClinVar:

NM_000179.3(MSH6):c.1206C>T (p.Phe402=)

Gene: MSH6 (mutS homolog 6; plus strand). Cytogenetic location: 2p16.3.
Variant type: single nucleotide variant.
Coding change: c.1206C>T on transcript NM_000179.3 (MANE Select); coding-DNA position 1206, C replaced by T.
Protein change: p.Phe402=; no amino-acid change (phenylalanine 402 retained).
Molecular consequence: synonymous variant.
Genome position (GRCh38, 1-based): chr2:47,799,189, C>T. VCF-style: chr2-47799189-C-T. GRCh37 (hg19) VCF-style: chr2-48026328-C-T.
Other names: c.816C>T, p.Phe272= (NM_001281492.2); c.300C>T, p.Phe100= (NM_001281493.2, NM_001281494.2).
Identifiers: ClinVar variation 215640 (VCV000215640.19), dbSNP rs779504190, ClinGen allele CA067327.

ClinVar aggregate classification (germline): Benign/Likely benign. Review status: criteria provided, multiple submitters, no conflicts (2 of 4 stars). 4 submissions from 4 submitters: Benign (1); Likely benign (3). Last evaluated 2025-11-21.

Conditions:
Hereditary nonpolyposis colorectal neoplasms. Identifiers: MedGen C0009405, MeSH D003123.
Hereditary cancer-predisposing syndrome. Also called: Hereditary neoplastic syndrome; Neoplastic Syndromes, Hereditary; Tumor predisposition; Hereditary Cancer Syndrome. Identifiers: Orphanet 140162, MedGen C0027672, MeSH D009386, MONDO:0015356.
Lynch syndrome 5 (LYNCH5). Also called: Colorectal cancer, hereditary nonpolyposis, type 5; Hereditary non-polyposis colorectal cancer, type 5. Identifiers: Orphanet 144, MedGen C1833477, MONDO:0013710, OMIM 614350. Disease mechanism: loss of function.

Allele frequency attached by ClinVar (database versions not stated): gnomAD exomes below 0.00001; ExAC 0.00001; TOPMed 0.00001.
gnomAD v4.1: 3 of 1,614,166 alleles (0.00019%); highest among the groups gnomAD compares: African/African-American, 0.0013%; no homozygotes.

Submissions (4):

Labcorp Genetics (formerly Invitae), Labcorp
Classification: Likely benign for Hereditary nonpolyposis colorectal neoplasms. Last evaluated: 2025-11-21. Review status: criteria provided, single submitter. Criteria: Invitae Variant Classification Sherloc (09022015). Collection method: clinical testing. Allele origin: germline.

Myriad Genetics, Inc.
Classification: Benign for Lynch syndrome 5. Last evaluated: 2024-12-23. Review status: criteria provided, single submitter. Criteria: Myriad Autosomal Dominant, Autosomal Recessive and X-Linked Classification Criteria (2023). Collection method: clinical testing. Allele origin: unknown.
Comment: This variant is considered benign. This variant is a silent/synonymous amino acid change and it is not expected to impact splicing.

Color Diagnostics, LLC DBA Color Health
Classification: Likely benign for Hereditary cancer-predisposing syndrome. Last evaluated: 2019-08-02. Review status: criteria provided, single submitter. Criteria: ACMG Guidelines, 2015. Collection method: clinical testing. Allele origin: germline.

Ambry Genetics
Classification: Likely benign for Hereditary cancer-predisposing syndrome. Last evaluated: 2015-06-01. Review status: criteria provided, single submitter. Criteria: Ambry Variant Classification Scheme 2023. Collection method: clinical testing. Allele origin: germline.